The following is an entry in ClinVar:

NM_000059.4(BRCA2):c.8331+3218C>T

Gene: BRCA2 (BRCA2 DNA repair associated; plus strand). Cytogenetic location: 13q13.1.
Variant type: single nucleotide variant.
Coding change: c.8331+3218C>T on transcript NM_000059.4 (MANE Select); 3218 bases into the intron after coding-DNA position 8331, C replaced by T.
Molecular consequence: intron variant.
Genome position (GRCh38, 1-based): chr13:32,366,751, C>T. VCF-style: chr13-32366751-C-T. GRCh37 (hg19) VCF-style: chr13-32940888-C-T.
Other names: IVS 18+3218C>T.
Identifiers: ClinVar variation 209791 (VCV000209791.1), dbSNP rs11571734, ClinGen allele CA276759.

ClinVar aggregate classification (germline): Benign (3 of 4 stars; one submission).

Conditions:
Breast-ovarian cancer, familial, susceptibility to, 2 (BROVCA2). Also called: BRCA2 Hereditary Breast and Ovarian Cancer. Identifiers: Orphanet 145, MedGen C2675520, MONDO:0012933, OMIM 612555. Disease mechanism: loss of function.

Allele frequency attached by ClinVar (database versions not stated): 1000 Genomes Project 0.20887; 1000 Genomes Project 30x 0.21159; TOPMed 0.25249; gnomAD 0.25949 and 0.26570.
gnomAD v4.1: 38,933 of 150,220 alleles (26%); highest among the groups gnomAD compares: African/African-American, 27%; 5,238 homozygotes.

Submission:

Evidence-based Network for the Interpretation of Germline Mutant Alleles (ENIGMA)
Classification: Benign for Breast-ovarian cancer, familial 2. Last evaluated: 2015-01-12. Review status: reviewed by expert panel. Criteria: ENIGMA BRCA1/2 Classification Criteria (2015). Collection method: curation. Allele origin: germline.
Comment: Class 1 not pathogenic based on frequency >1% in an outbred sampleset. Frequency 0.06294 (Asian), 0.3232 (African), 0.2836 (European), derived from 1000 genomes (2012-04-30).